The following is an entry in ClinVar:

ClinVar aggregate classification (germline): Conflicting classifications of pathogenicity. Review status: criteria provided, conflicting classifications (1 of 4 stars). 3 submissions from 3 submitters: Uncertain significance (1); Likely benign (2). Last evaluated 2026-08-22.

Conditions:
OTOA-related disorder. Also called: OTOA-related condition.

gnomAD v4.1: 7 of 1,613,674 alleles (0.00043%); highest among the groups gnomAD compares: East Asian, 0.011%; no homozygotes.

Submissions (3):

PreventionGenetics, part of Exact Sciences
Classification: Likely benign for OTOA-related condition. Last evaluated: 2026-08-22. Review status: criteria provided, single submitter. Criteria: ACMG Guidelines, 2015. Collection method: clinical testing. Allele origin: germline.
Comment: This variant is classified as likely benign based on ACMG/AMP sequence variant interpretation guidelines (Richards et al. 2015 PMID: 25741868, with internal and published modifications).

Labcorp Genetics (formerly Invitae), Labcorp
Classification: Likely benign. Last evaluated: 2024-02-04. Review status: criteria provided, single submitter. Criteria: Invitae Variant Classification Sherloc (09022015). Collection method: clinical testing. Allele origin: germline.

GeneDx
Classification: Uncertain significance. Last evaluated: 2021-01-18. Review status: criteria provided, single submitter. Criteria: GeneDx Variant Classification Process June 2021. Collection method: clinical testing. Allele origin: germline. Affected: yes.
Comment: Has not been previously published as pathogenic or benign to our knowledge; In silico analysis, which includes splice predictors and evolutionary conservation, suggests this variant may impact gene splicing. In the absence of RNA/functional studies, the actual effect of this sequence change is unknown.

NM_144672.4(OTOA):c.57A>T (p.Gly19=)

Gene: OTOA (otoancorin). Cytogenetic location: 16p12.2.
Variant type: single nucleotide variant.
Coding change: c.57A>T on transcript NM_144672.4 (MANE Select); coding-DNA position 57, A replaced by T.
Protein change: p.Gly19=; no amino-acid change (glycine 19 retained).
Molecular consequence: synonymous variant.
Genome position (GRCh38, 1-based): chr16:21,678,571, A>T. VCF-style: chr16-21678571-A-T. GRCh37 (hg19) VCF-style: chr16-21689892-A-T.
Identifiers: ClinVar variation 1314007 (VCV001314007.6), dbSNP rs749912295, ClinGen allele CA7952144.
Genomic context (GRCh38, chr16:21,678,571, plus strand): 5'-GAGAATGTCTCAGGAACCTACGACATACTCCCTTTTCCTATTCCTTTTTCTGAGCCATGG[A>T]GTGTCGAGTTATACAGTGCCAAATTCCAGGCAGGGTAAGTCCTGAGGGAAGAATCACCCT-3'
Protein context (NP_653273.3, residues 9-29): SLFLFLFLSH[Gly19=]VSSYTVPNSR